The following is an entry in ClinVar:

ClinVar aggregate classification (germline): Uncertain significance (1 of 4 stars; one submission).

Submission:

Labcorp Genetics (formerly Invitae), Labcorp
Classification: Uncertain significance. Last evaluated: 2024-04-10. Review status: criteria provided, single submitter. Criteria: Invitae Variant Classification Sherloc (09022015). Collection method: clinical testing. Allele origin: germline.
Comment: This sequence change replaces methionine, which is neutral and non-polar, with leucine, which is neutral and non-polar, at codon 756 of the LONP1 protein (p.Met756Leu). This variant is not present in population databases (gnomAD no frequency). This variant has not been reported in the literature in individuals affected with LONP1-related conditions. Advanced modeling of protein sequence and biophysical properties (such as structural, functional, and spatial information, amino acid conservation, physicochemical variation, residue mobility, and thermodynamic stability) performed at Invitae indicates that this missense variant is not expected to disrupt LONP1 protein function with a negative predictive value of 80%. In summary, the available evidence is currently insufficient to determine the role of this variant in disease. Therefore, it has been classified as a Variant of Uncertain Significance.

NM_004793.4(LONP1):c.2266A>C (p.Met756Leu)

Gene: LONP1 (lon peptidase 1, mitochondrial; minus strand). Cytogenetic location: 19p13.3.
Variant type: single nucleotide variant.
Coding change: c.2266A>C on transcript NM_004793.4 (MANE Select); coding-DNA position 2266, A replaced by C.
Protein change: p.Met756Leu; replaces methionine 756 with leucine.
Molecular consequence: missense variant. On other transcripts: non-coding transcript variant (1).
Genome position (GRCh38, 1-based): chr19:5,694,441, T>G on the plus strand (A>C on the coding strand, the complement: LONP1 is on the minus strand). VCF-style: chr19-5694441-T-G. GRCh37 (hg19) VCF-style: chr19-5694452-T-G.
Other names: c.2074A>C, p.Met692Leu (NM_001276479.2); c.1678A>C, p.Met560Leu (NM_001276480.1); short protein forms M692L, M560L, M756L.
Identifiers: ClinVar variation 3638480 (VCV003638480.2).